The following is an entry in ClinVar:

ClinVar aggregate classification (germline): Uncertain significance. Review status: criteria provided, multiple submitters, no conflicts (2 of 4 stars). 3 submissions from 3 submitters: Uncertain significance (3). Last evaluated 2026-01-06.

Conditions:
CASR-related disorder. Also called: CASR-related condition.
Familial hypocalciuric hypercalcemia (FHH). Also called: Familial benign hypercalcemia. Identifiers: Orphanet 405, MedGen C1809471, MONDO:0018458.
Autosomal dominant hypocalcemia 1 (HYPOC1). Also called: HYPOCALCEMIA, FAMILIAL. Identifiers: MedGen C3715128, MONDO:0011013, OMIM 601198.

Submissions (3):

PreventionGenetics, part of Exact Sciences
Classification: Uncertain significance for CASR-related condition. Last evaluated: 2026-01-06. Review status: criteria provided, single submitter. Criteria: ACMG Guidelines, 2015. Collection method: clinical testing. Allele origin: germline.
Comment: The CASR c.1309T>C variant is predicted to result in the amino acid substitution p.Cys437Arg. This variant was reported in the heterozygous state in two individuals with hypercalcemia (Dershem et al. 2020. PubMed ID: 32386559). This variant has not been reported in a large population database (gnomAD), indicating this variant is rare. At PreventionGenetics we previously identified this variant in several other patients with hypercalcemia. Although we suspect that this variant may be pathogenic, at this time, the clinical significance of this variant is uncertain due to the absence of conclusive functional and genetic evidence.

Labcorp Genetics (formerly Invitae), Labcorp
Classification: Uncertain significance for Familial hypocalciuric hypercalcemia; Autosomal dominant hypocalcemia 1. Last evaluated: 2021-01-21. Review status: criteria provided, single submitter. Criteria: Invitae Variant Classification Sherloc (09022015). Collection method: clinical testing. Allele origin: germline.
Comment: This sequence change replaces cysteine with arginine at codon 437 of the CASR protein (p.Cys437Arg). The cysteine residue is highly conserved and there is a large physicochemical difference between cysteine and arginine. This variant is not present in population databases (ExAC no frequency). This variant has not been reported in the literature in individuals with CASR-related conditions. ClinVar contains an entry for this variant (Variation ID: 585618). Algorithms developed to predict the effect of missense changes on protein structure and function (SIFT, PolyPhen-2, Align-GVGD) all suggest that this variant is likely to be disruptive, but these predictions have not been confirmed by published functional studies and their clinical significance is uncertain. In summary, the available evidence is currently insufficient to determine the role of this variant in disease. Therefore, it has been classified as a Variant of Uncertain Significance.

Athena Diagnostics
Classification: Uncertain significance. Last evaluated: 2018-01-30. Review status: criteria provided, single submitter. Criteria: Athena Diagnostics Criteria. Collection method: clinical testing. Allele origin: germline.

NM_000388.4(CASR):c.1309T>C (p.Cys437Arg)

Gene: CASR (calcium sensing receptor; plus strand). Cytogenetic location: 3q21.1.
Variant type: single nucleotide variant.
Coding change: c.1309T>C on transcript NM_000388.4 (MANE Select); coding-DNA position 1309, T replaced by C.
Protein change: p.Cys437Arg; replaces cysteine 437 with arginine.
Molecular consequence: missense variant.
Genome position (GRCh38, 1-based): chr3:122,262,344, T>C. VCF-style: chr3-122262344-T-C. GRCh37 (hg19) VCF-style: chr3-121981191-T-C.
Other names: c.1309T>C (NM_001178065.1); c.1309T>C, p.Cys437Arg (NM_001178065.2); short protein forms C437R.
Identifiers: ClinVar variation 585618 (VCV000585618.10), dbSNP rs1559959958, ClinGen allele CA354153046.